The following is an entry in ClinVar:

NM_032977.4(CASP10):c.813+39A>T

Gene: CASP10 (caspase 10; plus strand). Cytogenetic location: 2q33.1.
Variant type: single nucleotide variant.
Coding change: c.813+39A>T on transcript NM_032977.4 (MANE Select); 39 bases into the intron after coding-DNA position 813, A replaced by T.
Molecular consequence: intron variant.
Genome position (GRCh38, 1-based): chr2:201,206,012, A>T. VCF-style: chr2-201206012-A-T. GRCh37 (hg19) VCF-style: chr2-202070735-A-T.
Other names: c.813+39A>T (NM_032974.5); c.685-2063A>T (NM_001206542.2, NM_001230.5); c.722-2063A>T (NM_032976.4); c.721+2246A>T (NM_001206524.2).
Identifiers: ClinVar variation 1257766 (VCV001257766.5), dbSNP rs6712872, ClinGen allele CA2053060.

ClinVar aggregate classification (germline): Benign. Review status: criteria provided, multiple submitters, no conflicts (2 of 4 stars). 3 submissions from 3 submitters: Benign (3). Last evaluated 2023-11-12.

Allele frequency attached by ClinVar (database versions not stated): gnomAD exomes 0.45269; ExAC 0.45621; 1000 Genomes Project 0.46246; ESP Exome Variant Server 0.53697; TOPMed 0.54307; gnomAD 0.54384 and 0.55707.
gnomAD v4.1: 630,023 of 1,288,226 alleles (49%); highest among the groups gnomAD compares: African/African-American, 69%; 163,136 homozygotes.

Submissions (3):

Unidad de Genómica Garrahan, Hospital de Pediatría Garrahan
Classification: Benign. Last evaluated: 2023-11-12. Review status: criteria provided, single submitter. Criteria: ACMG Guidelines, 2015. Collection method: clinical testing. Allele origin: germline. Affected: no. Observed: 56 variant alleles.
Comment: This variant is classified as Benign based on local population frequency. This variant was detected in 58% of patients studied by a panel of primary immunodeficiencies. Number of patients: 56. Only high quality variants are reported.

GeneDx
Classification: Benign. Last evaluated: 2015-03-03. Review status: criteria provided, single submitter. Criteria: GeneDx Variant Classification Process June 2021. Collection method: clinical testing. Allele origin: germline. Affected: yes.

Breakthrough Genomics
Classification: Benign. Review status: criteria provided, single submitter. Criteria: ACMG Guidelines, 2015. Collection method: not provided. Allele origin: germline. Inheritance: Autosomal dominant inheritance. Affected: yes.